The following is an entry in ClinVar:

NM_032578.4(MYPN):c.598T>C (p.Ser200Pro)

Gene: MYPN (myopalladin; plus strand). Cytogenetic location: 10q21.3.
Variant type: single nucleotide variant.
Coding change: c.598T>C on transcript NM_032578.4 (MANE Select); coding-DNA position 598, T replaced by C.
Protein change: p.Ser200Pro; replaces serine 200 with proline.
Molecular consequence: missense variant. On other transcripts: 5 prime UTR variant (1), non-coding transcript variant (1).
Genome position (GRCh38, 1-based): chr10:68,122,036, T>C. VCF-style: chr10-68122036-T-C. GRCh37 (hg19) VCF-style: chr10-69881793-T-C.
Other names: c.598T>C, p.Ser200Pro (NM_001256267.2); c.-525T>C (NM_001256268.2); short protein forms S200P.
Identifiers: ClinVar variation 3402070 (VCV003402070.1).

ClinVar aggregate classification (germline): Uncertain significance (1 of 4 stars; one submission).

Conditions:
Cardiovascular phenotype. Identifiers: MedGen CN230736.

Submission:

Ambry Genetics
Classification: Uncertain significance for Cardiovascular phenotype. Last evaluated: 2024-10-27. Review status: criteria provided, single submitter. Criteria: Ambry Variant Classification Scheme 2023. Collection method: clinical testing. Allele origin: germline.
Comment: The p.S200P variant (also known as c.598T>C), located in coding exon 1 of the MYPN gene, results from a T to C substitution at nucleotide position 598. The serine at codon 200 is replaced by proline, an amino acid with similar properties. This amino acid position is conserved. In addition, this alteration is predicted to be tolerated by in silico analysis. Based on the available evidence, the clinical significance of this variant remains unclear.